The following is an entry in ClinVar:

ClinVar aggregate classification (germline): Uncertain significance (1 of 4 stars; one submission).

Conditions:
EGFR-related lung cancer (EGFR). Identifiers: MedGen CN130014.

gnomAD v4.1: 1 of 1,613,560 alleles (0.000062%); highest among the groups gnomAD compares: Non-Finnish European, 0.000085%; no homozygotes.

Submission:

Labcorp Genetics (formerly Invitae), Labcorp
Classification: Uncertain significance for EGFR-related lung cancer. Last evaluated: 2024-08-12. Review status: criteria provided, single submitter. Criteria: Invitae Variant Classification Sherloc (09022015). Collection method: clinical testing. Allele origin: germline.
Comment: This sequence change replaces methionine, which is neutral and non-polar, with valine, which is neutral and non-polar, at codon 668 of the EGFR protein (p.Met668Val). This variant is not present in population databases (gnomAD no frequency). This variant has not been reported in the literature in individuals affected with EGFR-related conditions. Advanced modeling of protein sequence and biophysical properties (such as structural, functional, and spatial information, amino acid conservation, physicochemical variation, residue mobility, and thermodynamic stability) performed at Invitae indicates that this missense variant is not expected to disrupt EGFR protein function with a negative predictive value of 80%. In summary, the available evidence is currently insufficient to determine the role of this variant in disease. Therefore, it has been classified as a Variant of Uncertain Significance.

NM_005228.5(EGFR):c.2002A>G (p.Met668Val)

Gene: EGFR (epidermal growth factor receptor; plus strand). Cytogenetic location: 7p11.2.
Variant type: single nucleotide variant.
Coding change: c.2002A>G on transcript NM_005228.5 (MANE Select); coding-DNA position 2002, A replaced by G.
Protein change: p.Met668Val; replaces methionine 668 with valine.
Molecular consequence: missense variant.
Genome position (GRCh38, 1-based): chr7:55,173,065, A>G. VCF-style: chr7-55173065-A-G. GRCh37 (hg19) VCF-style: chr7-55240758-A-G.
Other names: c.1867A>G, p.Met623Val (NM_001346897.2, NM_001346899.2); c.2002A>G, p.Met668Val (NM_001346898.2); c.1843A>G, p.Met615Val (NM_001346900.2); c.1201A>G, p.Met401Val (NM_001346941.2); short protein forms M623V, M668V, M401V, M615V.
Identifiers: ClinVar variation 3702584 (VCV003702584.2).
Genomic context (GRCh38, chr7:55,173,065, plus strand): 5'-ACTGGGATGGTGGGGGCCCTCCTCTTGCTGCTGGTGGTGGCCCTGGGGATCGGCCTCTTC[A>G]TGCGAAGGCGCCACATCGTTCGGAAGCGCACGCTGCGGAGGCTGCTGCAGGAGAGGGAGG-3'
Protein context (NP_005219.2, residues 658-678): LVVALGIGLF[Met668Val]RRRHIVRKRT